The following is an entry in ClinVar:

NM_003235.5(TG):c.4379-1G>A

Gene: TG (thyroglobulin; plus strand). Cytogenetic location: 8q24.22.
Variant type: single nucleotide variant.
Coding change: c.4379-1G>A on transcript NM_003235.5 (MANE Select); the canonical splice acceptor site of the intron before coding-DNA position 4379, G replaced by A.
Molecular consequence: splice acceptor variant.
Genome position (GRCh38, 1-based): chr8:132,919,375, G>A. VCF-style: chr8-132919375-G-A. GRCh37 (hg19) VCF-style: chr8-133931620-G-A.
Identifiers: ClinVar variation 3688970 (VCV003688970.2).
Genomic context (GRCh38, chr8:132,919,375, plus strand): 5'-GGGATTGTAACTGTGAAGCATGTGTCTTGATTTTTAACATCATTTCTCTGTTTTTTTCTA[G>A]TTAAGTGTCCTGAAGGAAGCTATTCCCAAGATGAGGAATGCATTCCTTGTCCTGTTGGAT-3'

ClinVar aggregate classification (germline): Likely pathogenic (1 of 4 stars; one submission).

Submission:

Labcorp Genetics (formerly Invitae), Labcorp
Classification: Likely pathogenic. Last evaluated: 2024-02-20. Review status: criteria provided, single submitter. Criteria: Invitae Variant Classification Sherloc (09022015). Collection method: clinical testing. Allele origin: germline.
Comment: This sequence change affects an acceptor splice site in intron 20 of the TG gene. It is expected to disrupt RNA splicing. Variants that disrupt the donor or acceptor splice site typically lead to a loss of protein function (PMID: 16199547), and loss-of-function variants in TG are known to be pathogenic (PMID: 19837936, 23164529). This variant is not present in population databases (gnomAD no frequency). This variant has not been reported in the literature in individuals affected with TG-related conditions. Algorithms developed to predict the effect of sequence changes on RNA splicing suggest that this variant may disrupt the consensus splice site. In summary, the currently available evidence indicates that the variant is pathogenic, but additional data are needed to prove that conclusively. Therefore, this variant has been classified as Likely Pathogenic.

Literature cited by the submitters: PubMed 16199547; PubMed 19837936; PubMed 23164529.